The following is an entry in ClinVar:

NM_001854.4(COL11A1):c.1856del (p.Gly619fs)

Gene: COL11A1 (collagen type XI alpha 1 chain; minus strand). Cytogenetic location: 1p21.1.
Variant type: Deletion.
Coding change: c.1856del on transcript NM_001854.4 (MANE Select); coding-DNA position 1856, one base deleted (G; older notation c.1856delG).
Protein change: p.Gly619fs; shifts the reading frame from glycine 619.
Molecular consequence: frameshift variant. On other transcripts: non-coding transcript variant (1).
Genome position (GRCh38, 1-based): chr1:103,004,651, C deleted on the plus strand (G on the coding strand, the reverse complement: COL11A1 is on the minus strand); the first of 2 consecutive C bases (chr1:103,004,651-103,004,652); deleting either gives the same sequence. VCF-style (leftmost placement, unchanged base first): chr1-103004650-AC-A. GRCh37 (hg19) VCF-style: chr1-103470206-AC-A.
Other names: c.1739del, p.Gly580fs (NM_001190709.2); c.1892del, p.Gly631fs (NM_080629.3); c.1508del, p.Gly503fs (NM_080630.4); short protein forms G580fs, G631fs, G503fs, G619fs.
Identifiers: ClinVar variation 3651159 (VCV003651159.2).

ClinVar aggregate classification (germline): Pathogenic (1 of 4 stars; one submission).

Submission:

Labcorp Genetics (formerly Invitae), Labcorp
Classification: Pathogenic. Last evaluated: 2024-05-01. Review status: criteria provided, single submitter. Criteria: Invitae Variant Classification Sherloc (09022015). Collection method: clinical testing. Allele origin: germline.
Comment: This sequence change creates a premature translational stop signal (p.Gly619Valfs*14) in the COL11A1 gene. It is expected to result in an absent or disrupted protein product. Loss-of-function variants in COL11A1 are known to be pathogenic (PMID: 20513134, 21035103, 23922384, 25240749, 32427345, 32756486). This variant is not present in population databases (gnomAD no frequency). This variant has not been reported in the literature in individuals affected with COL11A1-related conditions. For these reasons, this variant has been classified as Pathogenic.

Literature cited by the submitters: PubMed 20513134; PubMed 21035103; PubMed 23922384; PubMed 25240749; PubMed 32427345; PubMed 32756486.